The following is an entry in ClinVar:

NM_000057.4(BLM):c.1295dup (p.Pro432_Asp433insTer)

Gene: BLM (BLM RecQ like helicase; plus strand). Cytogenetic location: 15q26.1.
Variant type: Duplication.
Coding change: c.1295dup on transcript NM_000057.4 (MANE Select); coding-DNA position 1295, one base duplicated (C; older notation c.1295dupC).
Protein change: p.Pro432_Asp433insTer.
Molecular consequence: frameshift variant.
Genome position (GRCh38, 1-based): chr15:90,760,668, C duplicated; the last of 2 consecutive C bases (chr15:90,760,667-90,760,668); duplicating either gives the same sequence. VCF-style (leftmost placement, unchanged base first): chr15-90760666-G-GC. GRCh37 (hg19) VCF-style: chr15-91303896-G-GC.
Other names: c.1295dupC (NM_000057.3); c.1295dup, p.Pro432_Asp433insTer (NM_001287246.2, NM_001287247.2); c.170dup, p.Pro57_Asp58insTer (NM_001287248.2).
Identifiers: ClinVar variation 454074 (VCV000454074.7), dbSNP rs1555419806, ClinGen allele CA658658316.

ClinVar aggregate classification (germline): Pathogenic (1 of 4 stars; one submission).

Conditions:
Bloom syndrome (BLM). Also called: Bloom-Torre-Machacek syndrome. Identifiers: Orphanet 125, MedGen C0005859, MONDO:0008876, OMIM 210900.

Submission:

Labcorp Genetics (formerly Invitae), Labcorp
Classification: Pathogenic for Bloom syndrome. Last evaluated: 2018-02-22. Review status: criteria provided, single submitter. Criteria: Invitae Variant Classification Sherloc (09022015). Collection method: clinical testing. Allele origin: germline.
Comment: For these reasons, this variant has been classified as Pathogenic. Loss-of-function variants in BLM are known to be pathogenic (PMID: 17407155). This variant has not been reported in the literature in individuals with BLM-related disease. ClinVar contains an entry for this variant (Variation ID: 454074). This variant is not present in population databases (ExAC no frequency). This sequence change creates a premature translational stop signal (p.Asp433*) in the BLM gene. It is expected to result in an absent or disrupted protein product.

Literature cited by the submitters: PubMed 17407155.